The following is an entry in ClinVar:

ClinVar aggregate classification (germline): Uncertain significance. Review status: criteria provided, multiple submitters, no conflicts (2 of 4 stars). 2 submissions from 2 submitters: Uncertain significance (2). Last evaluated 2025-11-27.

Conditions:
Neurofibromatosis, type 1 (NF1). Also called: VON RECKLINGHAUSEN DISEASE; NEUROFIBROMATOSIS, TYPE I, SOMATIC; Peripheral type neurofibromatosis; Neurofibromatosis, type I. Identifiers: Orphanet 636, MedGen C0027831, MONDO:0018975, OMIM 162200. Disease mechanism: loss of function.
Juvenile myelomonocytic leukemia (JMML). Also called: LEUKEMIA, JUVENILE MYELOMONOCYTIC, SOMATIC. Identifiers: Orphanet 86834, MedGen C0349639, MONDO:0011908, OMIM 607785, HP:0012209.
Neurofibromatosis-Noonan syndrome (NFNS). Also called: NEUROFIBROMATOSIS WITH NOONAN PHENOTYPE. Identifiers: Orphanet 638, MedGen C2931482, MONDO:0011035, OMIM 601321. Disease mechanism: loss of function.
Neurofibromatosis, familial spinal (FSNF). Identifiers: Orphanet 636, MedGen C1834235, MONDO:0008078, OMIM 162210. Disease mechanism: loss of function.
Café-au-lait macules with pulmonary stenosis (WTSN). Also called: PULMONIC STENOSIS WITH CAFE-AU-LAIT SPOTS. Identifiers: MedGen C0553586, MONDO:0008672, OMIM 193520.

Submissions (2):

Labcorp Genetics (formerly Invitae), Labcorp
Classification: Uncertain significance for Neurofibromatosis, type 1. Last evaluated: 2025-11-27. Review status: criteria provided, single submitter. Criteria: Invitae Variant Classification Sherloc (09022015). Collection method: clinical testing. Allele origin: germline.
Comment: This sequence change replaces threonine, which is neutral and polar, with alanine, which is neutral and non-polar, at codon 446 of the NF1 protein (p.Thr446Ala). This variant is not present in population databases (gnomAD no frequency). This variant has not been reported in the literature in individuals affected with NF1-related conditions. ClinVar contains an entry for this variant (Variation ID: 2760654). Invitae Evidence Modeling of protein sequence and biophysical properties (such as structural, functional, and spatial information, amino acid conservation, physicochemical variation, residue mobility, and thermodynamic stability) indicates that this missense variant is expected to disrupt NF1 protein function with a positive predictive value of 95%. In summary, the available evidence is currently insufficient to determine the role of this variant in disease. Therefore, it has been classified as a Variant of Uncertain Significance.

Juno Genomics, Hangzhou Juno Genomics, Inc
Classification: Uncertain significance for Café-au-lait macules with pulmonary stenosis; Neurofibromatosis, type 1; Juvenile myelomonocytic leukemia; Neurofibromatosis, familial spinal; Neurofibromatosis-Noonan syndrome. Review status: criteria provided, single submitter. Criteria: ACMG Guidelines, 2015. Collection method: clinical testing. Allele origin: germline. Affected: yes.
Comment: Absent from controls (or at extremely low frequency if recessive) in Genome Aggregation Database.;Multiple lines of computational evidence support a deleterious effect on the gene or gene product.;Missense variant in a gene that has a low rate of benign missense variation.

NM_001042492.3(NF1):c.1336A>G (p.Thr446Ala)

Gene: NF1 (neurofibromin 1; plus strand). Cytogenetic location: 17q11.2.
Variant type: single nucleotide variant.
Coding change: c.1336A>G on transcript NM_001042492.3 (MANE Select); coding-DNA position 1336, A replaced by G.
Protein change: p.Thr446Ala; replaces threonine 446 with alanine.
Molecular consequence: missense variant.
Genome position (GRCh38, 1-based): chr17:31,206,315, A>G. VCF-style: chr17-31206315-A-G. GRCh37 (hg19) VCF-style: chr17-29533333-A-G.
Other names: c.1336A>G, p.Thr446Ala (NM_000267.4, NM_001128147.3); short protein forms T446A.
Identifiers: ClinVar variation 2760654 (VCV002760654.4), dbSNP rs2143914639, ClinGen allele CA398999545.
Genomic context (GRCh38, chr17:31,206,315, plus strand): 5'-TGGCCTAAGATTGATGCTGTGTATTGTCACTCGGTTGAACTTCGAAATATGTTTGGTGAA[A>G]CACTTCATAAAGCAGTGCAAGGTTGTGGAGCACACCCAGCAATACGAATGGCACCGGTAA-3'
Protein context (NP_001035957.1, residues 436-456): SVELRNMFGE[Thr446Ala]LHKAVQGCGA